The following is an entry in ClinVar:

NM_000038.6(APC):c.1927T>A (p.Ser643Thr)

Gene: APC (APC regulator of Wnt signaling pathway; plus strand). Cytogenetic location: 5q22.2.
Variant type: single nucleotide variant.
Coding change: c.1927T>A on transcript NM_000038.6 (MANE Select); coding-DNA position 1927, T replaced by A.
Protein change: p.Ser643Thr; replaces serine 643 with threonine.
Molecular consequence: missense variant. On other transcripts: non-coding transcript variant (2).
Genome position (GRCh38, 1-based): chr5:112,835,134, T>A. VCF-style: chr5-112835134-T-A. GRCh37 (hg19) VCF-style: chr5-112170831-T-A.
Other names: c.1927T>A, p.Ser643Thr (NM_001127510.3, NM_001354895.2, NM_001407450.1); c.1873T>A, p.Ser625Thr (NM_001127511.3); c.1981T>A, p.Ser661Thr (NM_001354896.2, NM_001407447.1, NM_001407448.1 and 1 more transcripts); c.1957T>A, p.Ser653Thr (NM_001354897.2); c.1852T>A, p.Ser618Thr (NM_001354898.2); c.1843T>A, p.Ser615Thr (NM_001354899.2); c.1804T>A, p.Ser602Thr (NM_001354900.2); c.1750T>A, p.Ser584Thr (NM_001354901.2, NM_001407453.1); and 11 more; short protein forms S259T, S360T, S483T, S514T, S517T, S542T, S552T, S560T.
Identifiers: ClinVar variation 4758673 (VCV004758673.1).

ClinVar aggregate classification (germline): Uncertain significance (1 of 4 stars; one submission).

Conditions:
Hereditary cancer-predisposing syndrome. Also called: Neoplastic Syndromes, Hereditary; Hereditary neoplastic syndrome; Tumor predisposition; Hereditary Cancer Syndrome. Identifiers: Orphanet 140162, MedGen C0027672, MeSH D009386, MONDO:0015356.

Submission:

Color Diagnostics, LLC DBA Color Health
Classification: Uncertain significance for Hereditary cancer-predisposing syndrome. Last evaluated: 2025-05-30. Review status: criteria provided, single submitter. Criteria: ACMG Guidelines, 2015. Collection method: clinical testing. Allele origin: germline.
Comment: This missense variant replaces serine with threonine at codon 643 of the APC protein. Computational prediction is inconclusive regarding the impact of this variant on protein structure and function. To our knowledge, functional studies have not been reported for this variant. This variant has not been reported in individuals affected with APC-related disorders in the literature. This variant has not been identified in the general population by the Genome Aggregation Database (gnomAD). The available evidence is insufficient to determine the role of this variant in disease conclusively. Therefore, this variant is classified as a Variant of Uncertain Significance.